The following is an entry in ClinVar:

ClinVar aggregate classification (germline): Likely benign. Review status: criteria provided, multiple submitters, no conflicts (2 of 4 stars). 2 submissions from 2 submitters: Likely benign (2). Last evaluated 2023-07-10.

Conditions:
Familial thoracic aortic aneurysm and aortic dissection (TAAD). Also called: Thoracic aortic aneurysms and dissections. Identifiers: Orphanet 91387, MedGen C4707243, MONDO:0019625.
Aortic aneurysm, familial thoracic 4 (AAT4). Also called: AORTIC ANEURYSM/AORTIC DISSECTION AND PATENT DUCTUS ARTERIOSUS. Identifiers: MedGen C1851504, MONDO:0007568, OMIM 132900.

Allele frequency attached by ClinVar (database versions not stated): gnomAD 0.00001; gnomAD exomes below 0.00001; TOPMed below 0.00001.
gnomAD v4.1: 2 of 1,613,960 alleles (0.00012%); highest among the groups gnomAD compares: Non-Finnish European, 0.00017%; no homozygotes.

Submissions (2):

All of Us Research Program, National Institutes of Health
Classification: Likely benign for Familial thoracic aortic aneurysm and aortic dissection. Last evaluated: 2023-07-10. Review status: criteria provided, single submitter. Criteria: ACMG Guidelines, 2015. Collection method: clinical testing. Allele origin: germline. Inheritance: Autosomal dominant inheritance. Observed: 1 variant allele, 1 heterozygote.
Comment: This study involves interpretation of variants in research participants for the purpose of population health screening. Participant phenotype was not available at the time of variant classification. Additional details can be found in publication PMID: 35346344, PMCID: PMC8962531

Labcorp Genetics (formerly Invitae), Labcorp
Classification: Likely benign for Aortic aneurysm, familial thoracic 4. Last evaluated: 2019-10-10. Review status: criteria provided, single submitter. Criteria: Invitae Variant Classification Sherloc (09022015). Collection method: clinical testing. Allele origin: germline.

NM_002474.3(MYH11):c.5520C>T (p.Ala1840=)

Genes: NDE1 (nudE neurodevelopment protein 1; plus strand), MYH11 (myosin heavy chain 11; minus strand). Cytogenetic location: 16p13.11.
Variant type: single nucleotide variant.
Coding change: c.5520C>T on transcript NM_002474.3 (MANE Select); coding-DNA position 5520, C replaced by T.
Protein change: p.Ala1840=; no amino-acid change (alanine 1840 retained).
Molecular consequence: synonymous variant. On other transcripts: intron variant (2).
Genome position (GRCh38, 1-based): chr16:15,715,257, G>A on the plus strand (C>T on the coding strand, the complement: MYH11 is on the minus strand). VCF-style: chr16-15715257-G-A. GRCh37 (hg19) VCF-style: chr16-15809114-G-A.
Other names: c.5541C>T, p.Ala1847= (NM_001040113.2, NM_001040114.2); c.5520C>T, p.Ala1840= (NM_022844.3); c.948-8934G>A (NM_001143979.2, NM_017668.3).
Identifiers: ClinVar variation 1093203 (VCV001093203.10), dbSNP rs1423184796, ClinGen allele CA493749334.
Genomic context (GRCh38, chr16:15,715,257, plus strand): 5'-GTCCTCCACCTGCAGCAAGATTTCCTTCAGCTTCTTGTCTTTCTGCTTCAGCGACTTGGT[G>A]GCCGCCTGTTTCTCTCTGCAAACAGCAAGGAAAACAGGTGGTTTCAGCGGAGGGTGGCAC-3'
Protein context (NP_002465.1, residues 1830-1850): VEQEAREKQA[Ala1840=]TKSLKQKDKK